The following is an entry in ClinVar:

ClinVar aggregate classification (germline): Uncertain significance (1 of 4 stars; one submission).

gnomAD v4.1: 1 of 1,614,064 alleles (0.000062%); highest among the groups gnomAD compares: African/African-American, 0.0013%; no homozygotes.

Submission:

Women's Health and Genetics/Laboratory Corporation of America, LabCorp
Classification: Uncertain significance. Last evaluated: 2025-04-30. Review status: criteria provided, single submitter. Criteria: LabCorp Variant Classification Summary - May 2015. Collection method: clinical testing. Allele origin: germline.
Comment: Variant summary: PGM3 c.1588G>A (p.Asp530Asn) results in a conservative amino acid change in the encoded protein sequence. Three of five in-silico tools predict a benign effect of the variant on protein function. The variant was absent in 251402 control chromosomes. The available data on variant occurrences in the general population are insufficient to allow any conclusion about variant significance. To our knowledge, no occurrence of c.1588G>A in individuals affected with Severe Combined Immunodeficiency and no experimental evidence demonstrating its impact on protein function have been reported. No submitters have cited clinical-significance assessments for this variant to ClinVar. Based on the evidence outlined above, the variant was classified as uncertain significance.

NM_015599.3(PGM3):c.1504G>A (p.Asp502Asn)

Genes: DOP1A (DOP1 leucine zipper like protein A; plus strand), PGM3 (phosphoglucomutase 3; minus strand). Cytogenetic location: 6q14.1.
Variant type: single nucleotide variant.
Coding change: c.1504G>A on transcript NM_015599.3 (MANE Select); coding-DNA position 1504, G replaced by A.
Protein change: p.Asp502Asn; replaces aspartic acid 502 with asparagine.
Molecular consequence: missense variant. On other transcripts: non-coding transcript variant (2).
Genome position (GRCh38, 1-based): chr6:83,170,340, C>T on the plus strand (G>A on the coding strand, the complement: PGM3 is on the minus strand). VCF-style: chr6-83170340-C-T. GRCh37 (hg19) VCF-style: chr6-83880059-C-T.
Other names: c.1588G>A, p.Asp530Asn (NM_001199917.2, NM_001367287.1); c.1261G>A, p.Asp421Asn (NM_001199918.2); c.1504G>A, p.Asp502Asn (NM_001199919.2); c.1381G>A, p.Asp461Asn (NM_001367286.1); short protein forms D421N, D461N, D502N, D530N.
Identifiers: ClinVar variation 3896496 (VCV003896496.2).